The following is an entry in ClinVar:

NM_018896.5(CACNA1G):c.3553C>T (p.Arg1185Cys)

Gene: CACNA1G (calcium voltage-gated channel subunit alpha1 G; plus strand). Cytogenetic location: 17q21.33.
Variant type: single nucleotide variant.
Coding change: c.3553C>T on transcript NM_018896.5 (MANE Select); coding-DNA position 3553, C replaced by T.
Protein change: p.Arg1185Cys; replaces arginine 1185 with cysteine.
Molecular consequence: missense variant. On other transcripts: non-coding transcript variant (5).
Genome position (GRCh38, 1-based): chr17:50,599,722, C>T. VCF-style: chr17-50599722-C-T. GRCh37 (hg19) VCF-style: chr17-48677083-C-T.
Other names: c.3553C>T, p.Arg1185Cys (NM_198385.3, NM_198386.3, NM_001256324.2 and 16 more transcripts); c.3484C>T, p.Arg1162Cys (NM_198387.3, NM_198388.3, NM_198396.3 and 5 more transcripts); c.3553C>T (NM_018896.3); short protein forms R1185C, R1162C.
Identifiers: ClinVar variation 387354 (VCV000387354.10), dbSNP rs573971701, ClinGen allele CA8652745.
Genomic context (GRCh38, chr17:50,599,722, plus strand): 5'-GAGCGGGAGGCCAAGAGTTCCTTTGACCTGCCAGACACACTGCAGGTGCCAGGGCTGCAT[C>T]GCACTGCCAGTGGCCGAGGGTCTGCTTCTGAGCACCAGGACTGCAATGGCAAGTCGGCTT-3'
Protein context (NP_061496.2, residues 1175-1195): PDTLQVPGLH[Arg1185Cys]TASGRGSASE

ClinVar aggregate classification (germline): Conflicting classifications of pathogenicity. Review status: criteria provided, conflicting classifications (1 of 4 stars). 4 submissions from 4 submitters: Uncertain significance (2); Benign (1); Likely benign (1). Last evaluated 2025-11-08.

Conditions:
Inborn genetic diseases. Identifiers: MedGen C0950123, MeSH D030342.

Allele frequency attached by ClinVar (database versions not stated): gnomAD exomes 0.00004 and 0.00007; TOPMed 0.00005; ExAC 0.00006; gnomAD 0.00006 and 0.00008.
gnomAD v4.1: 70 of 1,613,536 alleles (0.0043%); highest among the groups gnomAD compares: African/African-American, 0.0067%; no homozygotes.

Submissions (4):

Ambry Genetics
Classification: Likely benign for Inborn genetic diseases. Last evaluated: 2025-11-08. Review status: criteria provided, single submitter. Criteria: Ambry Variant Classification Scheme 2023. Collection method: clinical testing. Allele origin: germline.

GeneDx
Classification: Uncertain significance. Last evaluated: 2023-11-29. Review status: criteria provided, single submitter. Criteria: GeneDx Variant Classification Process June 2021. Collection method: clinical testing. Allele origin: germline. Affected: yes.
Comment: In silico analysis supports that this missense variant has a deleterious effect on protein structure/function; Has not been previously published as pathogenic or benign to our knowledge

Women's Health and Genetics/Laboratory Corporation of America, LabCorp
Classification: Uncertain significance. Last evaluated: 2023-05-04. Review status: criteria provided, single submitter. Criteria: LabCorp Variant Classification Summary - May 2015. Collection method: clinical testing. Allele origin: germline.
Comment: Variant summary: CACNA1G c.3553C>T (p.Arg1185Cys) results in a non-conservative amino acid change in the encoded protein sequence. Five of five in-silico tools predict a damaging effect of the variant on protein function. The variant allele was found at a frequency of 6.9e-05 in 246744 control chromosomes. To our knowledge, no occurrence of c.3553C>T in individuals affected with Spinocerebellar Ataxia Type 42 and no experimental evidence demonstrating its impact on protein function have been reported. One clinical diagnostic laboratory has submitted clinical-significance assessments for this variant to ClinVar after 2014 and classified the variant as uncertain significance. Based on the evidence outlined above, the variant was classified as uncertain significance.

Labcorp Genetics (formerly Invitae), Labcorp
Classification: Benign. Last evaluated: 2023-01-05. Review status: criteria provided, single submitter. Criteria: Invitae Variant Classification Sherloc (09022015). Collection method: clinical testing. Allele origin: germline.